The following is an entry in ClinVar:

NM_002437.5(MPV17):c.139del (p.Gln47fs)

Gene: MPV17 (mitochondrial inner membrane protein MPV17; minus strand). Cytogenetic location: 2p23.3.
Variant type: Deletion.
Coding change: c.139del on transcript NM_002437.5 (MANE Select); coding-DNA position 139, one base deleted (C; older notation c.139delC).
Protein change: p.Gln47fs; shifts the reading frame from glutamine 47.
Molecular consequence: frameshift variant.
Genome position (GRCh38, 1-based): chr2:27,313,041, G deleted on the plus strand (C on the coding strand, the reverse complement: MPV17 is on the minus strand); the first of 2 consecutive G bases (chr2:27,313,041-27,313,042); deleting either gives the same sequence. VCF-style (leftmost placement, unchanged base first): chr2-27313040-TG-T. GRCh37 (hg19) VCF-style: chr2-27535907-TG-T.
Other names: short protein forms Q47fs.
Identifiers: ClinVar variation 1071647 (VCV001071647.8), dbSNP rs2148216335, ClinGen allele CA2499215842.

ClinVar aggregate classification (germline): Pathogenic/Likely pathogenic. Review status: criteria provided, multiple submitters, no conflicts (2 of 4 stars). 2 submissions from 2 submitters: Pathogenic (1); Likely pathogenic (1). Last evaluated 2023-05-07.

Conditions:
Charcot-Marie-Tooth disease, axonal, type 2EE. Also called: CHARCOT-MARIE-TOOTH NEUROPATHY, TYPE 2EE. Identifiers: MedGen C5193076, MONDO:0032728, OMIM 618400.

Submissions (2):

Baylor Genetics
Classification: Likely pathogenic for Charcot-Marie-Tooth disease, axonal, type 2EE. Last evaluated: 2023-05-07. Review status: criteria provided, single submitter. Criteria: ACMG Guidelines, 2015. Collection method: clinical testing. Allele origin: unknown.

Labcorp Genetics (formerly Invitae), Labcorp
Classification: Pathogenic. Last evaluated: 2020-07-12. Review status: criteria provided, single submitter. Criteria: Invitae Variant Classification Sherloc (09022015). Collection method: clinical testing. Allele origin: germline.
Comment: This variant is not present in population databases (ExAC no frequency). This sequence change creates a premature translational stop signal (p.Gln47Argfs*6) in the MPV17 gene. It is expected to result in an absent or disrupted protein product. This variant has not been reported in the literature in individuals with MPV17-related conditions. For these reasons, this variant has been classified as Pathogenic. Loss-of-function variants in MPV17 are known to be pathogenic (PMID: 23714749).

Literature cited by the submitters: PubMed 23714749 (cited by Labcorp Genetics (formerly Invitae), Labcorp).